The following is an entry in ClinVar:

ClinVar aggregate classification (germline): Uncertain significance. Review status: criteria provided, multiple submitters, no conflicts (2 of 4 stars). 2 submissions from 2 submitters: Uncertain significance (2). Last evaluated 2022-04-29.

Allele frequency attached by ClinVar (database versions not stated): gnomAD exomes 0.00001; gnomAD 0.00002; TOPMed 0.00004.
gnomAD v4.1: 12 of 1,613,966 alleles (0.00074%); highest among the groups gnomAD compares: Admixed American, 0.0067%; no homozygotes.

Submissions (2):

Labcorp Genetics (formerly Invitae), Labcorp
Classification: Uncertain significance. Last evaluated: 2022-04-29. Review status: criteria provided, single submitter. Criteria: Invitae Variant Classification Sherloc (09022015). Collection method: clinical testing. Allele origin: germline.
Comment: This sequence change replaces serine, which is neutral and polar, with leucine, which is neutral and non-polar, at codon 2041 of the CPLANE1 protein (p.Ser2041Leu). This variant is not present in population databases (gnomAD no frequency). This variant has not been reported in the literature in individuals affected with CPLANE1-related conditions. Advanced modeling of protein sequence and biophysical properties (such as structural, functional, and spatial information, amino acid conservation, physicochemical variation, residue mobility, and thermodynamic stability) performed at Invitae indicates that this missense variant is expected to disrupt CPLANE1 protein function. In summary, the available evidence is currently insufficient to determine the role of this variant in disease. Therefore, it has been classified as a Variant of Uncertain Significance.

Blueprint Genetics
Classification: Uncertain significance. Last evaluated: 2020-02-13. Review status: criteria provided, single submitter. Criteria: ACMG Guidelines, 2015. Collection method: clinical testing. Allele origin: germline.

NM_001384732.1(CPLANE1):c.6122C>T (p.Ser2041Leu)

Gene: CPLANE1 (ciliogenesis and planar polarity effector complex subunit 1; minus strand). Cytogenetic location: 5p13.2.
Variant type: single nucleotide variant.
Coding change: c.6122C>T on transcript NM_001384732.1 (MANE Select); coding-DNA position 6122, C replaced by T.
Protein change: p.Ser2041Leu; replaces serine 2041 with leucine.
Molecular consequence: missense variant.
Genome position (GRCh38, 1-based): chr5:37,173,804, G>A on the plus strand (C>T on the coding strand, the complement: CPLANE1 is on the minus strand). VCF-style: chr5-37173804-G-A. GRCh37 (hg19) VCF-style: chr5-37173906-G-A.
Other names: c.6122C>T, p.Ser2041Leu (NM_023073.4); short protein forms S2041L.
Identifiers: ClinVar variation 2140037 (VCV002140037.3), dbSNP rs1348795271, ClinGen allele CA359484832.
Genomic context (GRCh38, chr5:37,173,804, plus strand): 5'-GATGTGCTTACCTGAACTAATTTAAACATTTCATCTTGCAGCATCTGCCTAACGGACTCC[G>A]AACAATCTGGTAACTGAGCCGTGAATTCATTTCTCTGGGTCTTCTGAGGTGTTGGAGCAG-3'
Protein context (NP_001371661.1, residues 2031-2051): NEFTAQLPDC[Ser2041Leu]ESVRQMLQDE